The following is an entry in ClinVar:

ClinVar aggregate classification (germline): Uncertain significance (1 of 4 stars; one submission).

Submission:

Labcorp Genetics (formerly Invitae), Labcorp
Classification: Uncertain significance. Last evaluated: 2025-11-18. Review status: criteria provided, single submitter. Criteria: Invitae Variant Classification Sherloc (09022015). Collection method: clinical testing. Allele origin: germline.
Comment: This sequence change replaces proline, which is neutral and non-polar, with serine, which is neutral and polar, at codon 2008 of the CACNA1D protein (p.Pro2008Ser). This variant is not present in population databases (gnomAD no frequency). This variant has not been reported in the literature in individuals affected with CACNA1D-related conditions. An algorithm developed to predict the effect of missense changes on protein structure and function (PolyPhen-2) suggests that this variant is likely to be disruptive. In summary, the available evidence is currently insufficient to determine the role of this variant in disease. Therefore, it has been classified as a Variant of Uncertain Significance.

NM_001128840.3(CACNA1D):c.5962C>T (p.Pro1988Ser)

Gene: CACNA1D (calcium voltage-gated channel subunit alpha1 D; plus strand). Cytogenetic location: 3p21.1.
Variant type: single nucleotide variant.
Coding change: c.5962C>T on transcript NM_001128840.3 (MANE Select); coding-DNA position 5962, C replaced by T.
Protein change: p.Pro1988Ser; replaces proline 1988 with serine.
Molecular consequence: missense variant.
Genome position (GRCh38, 1-based): chr3:53,810,068, C>T. VCF-style: chr3-53810068-C-T. GRCh37 (hg19) VCF-style: chr3-53844095-C-T.
Other names: c.6022C>T, p.Pro2008Ser (NM_000720.4); c.5890C>T, p.Pro1964Ser (NM_001128839.3); short protein forms P1964S, P1988S, P2008S.
Identifiers: ClinVar variation 4804676 (VCV004804676.1).